The following is an entry in ClinVar:

ClinVar aggregate classification (germline): Uncertain significance. Review status: criteria provided, multiple submitters, no conflicts (2 of 4 stars). 2 submissions from 2 submitters: Uncertain significance (2). Last evaluated 2025-02-01.

Conditions:
Inborn genetic diseases. Identifiers: MedGen C0950123, MeSH D030342.
Immunodeficiency 28 (IMD28). Also called: IFNGR2 DEFICIENCY. Identifiers: Orphanet 319547, Orphanet 319574, MedGen C4013947, MONDO:0013953, OMIM 614889.

Allele frequency attached by ClinVar (database versions not stated): gnomAD exomes below 0.00001.
gnomAD v4.1: 2 of 1,613,924 alleles (0.00012%); highest among the groups gnomAD compares: Non-Finnish European, 0.00017%; no homozygotes.

Submissions (2):

Ambry Genetics
Classification: Uncertain significance for Inborn genetic diseases. Last evaluated: 2025-02-01. Review status: criteria provided, single submitter. Criteria: Ambry Variant Classification Scheme 2023. Collection method: clinical testing. Allele origin: germline.

Labcorp Genetics (formerly Invitae), Labcorp
Classification: Uncertain significance for Immunodeficiency 28. Last evaluated: 2022-07-19. Review status: criteria provided, single submitter. Criteria: Invitae Variant Classification Sherloc (09022015). Collection method: clinical testing. Allele origin: germline.
Comment: This sequence change replaces proline, which is neutral and non-polar, with serine, which is neutral and polar, at codon 312 of the IFNGR2 protein (p.Pro312Ser). This variant is not present in population databases (gnomAD no frequency). This variant has not been reported in the literature in individuals affected with IFNGR2-related conditions. ClinVar contains an entry for this variant (Variation ID: 1496482). Algorithms developed to predict the effect of missense changes on protein structure and function output the following: SIFT: "Tolerated"; PolyPhen-2: "Benign"; Align-GVGD: "Class C0". The serine amino acid residue is found in multiple mammalian species, which suggests that this missense change does not adversely affect protein function. In summary, the available evidence is currently insufficient to determine the role of this variant in disease. Therefore, it has been classified as a Variant of Uncertain Significance.

NM_005534.4(IFNGR2):c.934C>T (p.Pro312Ser)

Genes: TMEM50B (transmembrane protein 50B; minus strand), IFNGR2 (interferon gamma receptor 2; plus strand). Cytogenetic location: 21q22.11.
Variant type: single nucleotide variant.
Coding change: c.934C>T on transcript NM_005534.4 (MANE Select); coding-DNA position 934, C replaced by T.
Protein change: p.Pro312Ser; replaces proline 312 with serine.
Molecular consequence: missense variant.
Genome position (GRCh38, 1-based): chr21:33,436,882, C>T. VCF-style: chr21-33436882-C-T. GRCh37 (hg19) VCF-style: chr21-34809189-C-T.
Other names: c.991C>T, p.Pro331Ser (NM_001329128.2); c.934C>T (NM_005534.3); short protein forms P312S, P331S.
Identifiers: ClinVar variation 1496482 (VCV001496482.9), dbSNP rs2123384586, ClinGen allele CA410112551.